The following is an entry in ClinVar:

ClinVar aggregate classification (germline): Uncertain significance (1 of 4 stars; one submission).

Allele frequency attached by ClinVar (database versions not stated): gnomAD exomes 0.00001; ExAC 0.00003; 1000 Genomes Project 30x 0.00016; 1000 Genomes Project 0.00020.
gnomAD v4.1: 10 of 1,610,304 alleles (0.00062%); highest among the groups gnomAD compares: Middle Eastern, 0.017%; no homozygotes.

Submission:

Labcorp Genetics (formerly Invitae), Labcorp
Classification: Uncertain significance. Last evaluated: 2022-01-11. Review status: criteria provided, single submitter. Criteria: Invitae Variant Classification Sherloc (09022015). Collection method: clinical testing. Allele origin: germline.
Comment: In summary, the available evidence is currently insufficient to determine the role of this variant in disease. Therefore, it has been classified as a Variant of Uncertain Significance. Algorithms developed to predict the effect of missense changes on protein structure and function are either unavailable or do not agree on the potential impact of this missense change (SIFT: "Deleterious"; PolyPhen-2: "Probably Damaging"; Align-GVGD: "Class C0"). This variant has not been reported in the literature in individuals affected with VPS13C-related conditions. This variant is present in population databases (rs200633287, gnomAD 0.007%). This sequence change replaces aspartic acid, which is acidic and polar, with asparagine, which is neutral and polar, at codon 1874 of the VPS13C protein (p.Asp1874Asn).

NM_020821.3(VPS13C):c.5620G>A (p.Asp1874Asn)

Gene: VPS13C (vacuolar protein sorting 13 homolog C; minus strand). Cytogenetic location: 15q22.2.
Variant type: single nucleotide variant.
Coding change: c.5620G>A on transcript NM_020821.3 (MANE Select); coding-DNA position 5620, G replaced by A.
Protein change: p.Asp1874Asn; replaces aspartic acid 1874 with asparagine.
Molecular consequence: missense variant.
Genome position (GRCh38, 1-based): chr15:61,936,732, C>T on the plus strand (G>A on the coding strand, the complement: VPS13C is on the minus strand). VCF-style: chr15-61936732-C-T. GRCh37 (hg19) VCF-style: chr15-62228931-C-T.
Other names: c.5620G>A, p.Asp1874Asn (NM_001018088.3); c.5491G>A, p.Asp1831Asn (NM_017684.5, NM_018080.4); short protein forms D1874N, D1831N.
Identifiers: ClinVar variation 1957073 (VCV001957073.5), dbSNP rs200633287, ClinGen allele CA7595772.